The following is an entry in ClinVar:

NM_007118.4(TRIO):c.382G>A (p.Val128Met)

Gene: TRIO (trio Rho guanine nucleotide exchange factor; plus strand). Cytogenetic location: 5p15.2.
Variant type: single nucleotide variant.
Coding change: c.382G>A on transcript NM_007118.4 (MANE Select); coding-DNA position 382, G replaced by A.
Protein change: p.Val128Met; replaces valine 128 with methionine.
Molecular consequence: missense variant. On other transcripts: non-coding transcript variant (1).
Genome position (GRCh38, 1-based): chr5:14,286,905, G>A. VCF-style: chr5-14286905-G-A. GRCh37 (hg19) VCF-style: chr5-14287014-G-A.
Other names: short protein forms V128M.
Identifiers: ClinVar variation 2007788 (VCV002007788.4), dbSNP rs1736489332, ClinGen allele CA359201752.

ClinVar aggregate classification (germline): Uncertain significance (1 of 4 stars; one submission).

Allele frequency attached by ClinVar (database versions not stated): gnomAD exomes below 0.00001; TOPMed below 0.00001.
gnomAD v4.1: 1 of 1,613,824 alleles (0.000062%); highest among the groups gnomAD compares: Non-Finnish European, 0.000085%; no homozygotes.

Submission:

Labcorp Genetics (formerly Invitae), Labcorp
Classification: Uncertain significance. Last evaluated: 2022-09-17. Review status: criteria provided, single submitter. Criteria: Invitae Variant Classification Sherloc (09022015). Collection method: clinical testing. Allele origin: germline.
Comment: Advanced modeling of protein sequence and biophysical properties (such as structural, functional, and spatial information, amino acid conservation, physicochemical variation, residue mobility, and thermodynamic stability) performed at Invitae indicates that this missense variant is not expected to disrupt TRIO protein function. In summary, the available evidence is currently insufficient to determine the role of this variant in disease. Therefore, it has been classified as a Variant of Uncertain Significance. This variant has not been reported in the literature in individuals affected with TRIO-related conditions. This variant is not present in population databases (gnomAD no frequency). This sequence change replaces valine, which is neutral and non-polar, with methionine, which is neutral and non-polar, at codon 128 of the TRIO protein (p.Val128Met).